The following is an entry in ClinVar:

ClinVar aggregate classification (germline): Uncertain significance. Review status: criteria provided, multiple submitters, no conflicts (2 of 4 stars). 3 submissions from 3 submitters: Uncertain significance (3). Last evaluated 2025-11-26.

Conditions:
Leukocyte adhesion deficiency type II. Also called: CONGENITAL DISORDER OF GLYCOSYLATION, TYPE IIc; Congenital disorder of glycosylation type 2C; CDG 2C; Leukocyte adhesion deficiency type 2; Rambam Hasharon syndrome; CDG IIc. Identifiers: Orphanet 2968, Orphanet 99843, MedGen C0398739, MONDO:0009953, OMIM 266265.
Inborn genetic diseases. Identifiers: MedGen C0950123, MeSH D030342.

Allele frequency attached by ClinVar (database versions not stated): ExAC 0.00001; gnomAD 0.00001; gnomAD exomes 0.00001; TOPMed 0.00002.
gnomAD v4.1: 8 of 1,613,926 alleles (0.0005%); highest among the groups gnomAD compares: Admixed American, 0.0067%; no homozygotes.

Submissions (3):

Ambry Genetics
Classification: Uncertain significance for Inborn genetic diseases. Last evaluated: 2025-11-26. Review status: criteria provided, single submitter. Criteria: Ambry Variant Classification Scheme 2023. Collection method: clinical testing. Allele origin: germline.

Labcorp Genetics (formerly Invitae), Labcorp
Classification: Uncertain significance for Leukocyte adhesion deficiency type II. Last evaluated: 2024-02-19. Review status: criteria provided, single submitter. Criteria: Invitae Variant Classification Sherloc (09022015). Collection method: clinical testing. Allele origin: germline.
Comment: This sequence change replaces methionine, which is neutral and non-polar, with valine, which is neutral and non-polar, at codon 55 of the SLC35C1 protein (p.Met55Val). This variant is present in population databases (rs767671094, gnomAD 0.009%). This variant has not been reported in the literature in individuals affected with SLC35C1-related conditions. ClinVar contains an entry for this variant (Variation ID: 948362). Advanced modeling of protein sequence and biophysical properties (such as structural, functional, and spatial information, amino acid conservation, physicochemical variation, residue mobility, and thermodynamic stability) performed at Invitae indicates that this missense variant is not expected to disrupt SLC35C1 protein function with a negative predictive value of 80%. In summary, the available evidence is currently insufficient to determine the role of this variant in disease. Therefore, it has been classified as a Variant of Uncertain Significance.

Fulgent Genetics
Classification: Uncertain significance for Leukocyte adhesion deficiency type II. Last evaluated: 2022-05-24. Review status: criteria provided, single submitter. Criteria: ACMG Guidelines, 2015. Collection method: clinical testing. Allele origin: unknown.

NM_018389.5(SLC35C1):c.163A>G (p.Met55Val)

Gene: SLC35C1 (solute carrier family 35 member C1; plus strand). Cytogenetic location: 11p11.2.
Variant type: single nucleotide variant.
Coding change: c.163A>G on transcript NM_018389.5 (MANE Select); coding-DNA position 163, A replaced by G.
Protein change: p.Met55Val; replaces methionine 55 with valine.
Molecular consequence: missense variant.
Genome position (GRCh38, 1-based): chr11:45,805,964, A>G. VCF-style: chr11-45805964-A-G. GRCh37 (hg19) VCF-style: chr11-45827515-A-G.
Other names: c.124A>G, p.Met42Val (NM_001145265.2, NM_001145266.2); short protein forms M42V, M55V.
Identifiers: ClinVar variation 948362 (VCV000948362.8), dbSNP rs767671094, ClinGen allele CA5958196.